The following is an entry in ClinVar:

NM_001145809.2(MYH14):c.-3-6C>T

Gene: MYH14 (myosin heavy chain 14; plus strand). Cytogenetic location: 19q13.33.
Variant type: single nucleotide variant.
Coding change: c.-3-6C>T on transcript NM_001145809.2 (MANE Select); 6 bases into the intron before 3 bases upstream of the start codon, C replaced by T.
Molecular consequence: intron variant.
Genome position (GRCh38, 1-based): chr19:50,210,357, C>T. VCF-style: chr19-50210357-C-T. GRCh37 (hg19) VCF-style: chr19-50713614-C-T.
Other names: c.-3-6C>T (NM_001077186.2, NM_024729.4).
Identifiers: ClinVar variation 329902 (VCV000329902.6), dbSNP rs886054586, ClinGen allele CA10652709.

ClinVar aggregate classification (germline): Uncertain significance. Review status: criteria provided, multiple submitters, no conflicts (2 of 4 stars). 2 submissions from 2 submitters: Uncertain significance (2). Last evaluated 2022-04-08.

Conditions:
Autosomal dominant nonsyndromic hearing loss 4A. Also called: Deafness, autosomal dominant 4A. Identifiers: Orphanet 90635, MedGen C1833503, MONDO:0010915, OMIM 600652.

Allele frequency attached by ClinVar (database versions not stated): gnomAD 0.00001; TOPMed 0.00001.
gnomAD v4.1: 14 of 1,584,784 alleles (0.00088%); highest among the groups gnomAD compares: Non-Finnish European, 0.0012%; no homozygotes.

Submissions (2):

Women's Health and Genetics/Laboratory Corporation of America, LabCorp
Classification: Uncertain significance. Last evaluated: 2022-04-08. Review status: criteria provided, single submitter. Criteria: LabCorp Variant Classification Summary - May 2015. Collection method: clinical testing. Allele origin: germline.
Comment: Variant summary: MYH14 c.-3_-6C>T is located in the untranslated mRNA region upstream of the initiation codon. 4/4 computational tools predict no significant impact on normal splicing. However, these predictions have yet to be confirmed by functional studies. The variant allele was found at a frequency of 1.3e-05 in 152152 control chromosomes (gnomAD v3). The available data on variant occurrences in the general population are insufficient to allow any conclusion about variant significance. To our knowledge, no occurrence of c.-3-6C>T in individuals affected with Deafness, Autosomal Dominant 4 and no experimental evidence demonstrating its impact on protein function have been reported. One ClinVar submitter (evaluation after 2014) cites the variant as uncertain significance. Based on the evidence outlined above, the variant was classified as uncertain significance.

Illumina Laboratory Services, Illumina
Classification: Uncertain significance for Autosomal dominant nonsyndromic hearing loss 4A. Last evaluated: 2018-01-13. Review status: criteria provided, single submitter. Criteria: ICSL Variant Classification Criteria 13 December 2019. Collection method: clinical testing. Allele origin: germline.